The following is an entry in ClinVar:

NM_001330288.2(SMARCC2):c.3182C>T (p.Ala1061Val)

Gene: SMARCC2 (SWI/SNF related BAF chromatin remodeling complex subunit C2; minus strand). Cytogenetic location: 12q13.2.
Variant type: single nucleotide variant.
Coding change: c.3182C>T on transcript NM_001330288.2 (MANE Select); coding-DNA position 3182, C replaced by T.
Protein change: p.Ala1061Val; replaces alanine 1061 with valine.
Molecular consequence: missense variant.
Genome position (GRCh38, 1-based): chr12:56,165,368, G>A on the plus strand (C>T on the coding strand, the complement: SMARCC2 is on the minus strand). VCF-style: chr12-56165368-G-A. GRCh37 (hg19) VCF-style: chr12-56559152-G-A.
Other names: c.3182C>T, p.Ala1061Val (NM_001130420.3, NM_139067.4); c.3089C>T, p.Ala1030Val (NM_003075.5); short protein forms A1030V, A1061V.
Identifiers: ClinVar variation 4681427 (VCV004681427.5).
Genomic context (GRCh38, chr12:56,165,368, plus strand): 5'-TAACACTTACCATGGGGTCCAGGGGGGGGAACCCCTGGTGGGACTGCCCCAGGCTGGGGG[G>A]CTCCAGCTGGTTGCTGCTGCTGTGGCCCTGCAGTTGACCCTGCCTGCCCAATCTGTTCAG-3'
Protein context (NP_001317217.1, residues 1051-1071): AGPQQQQPAG[Ala1061Val]PQPGAVPPGV

ClinVar aggregate classification (germline): Likely benign (1 of 4 stars; one submission).

gnomAD v4.1: 15 of 1,504,568 alleles (0.001%); highest among the groups gnomAD compares: South Asian, 0.019%; no homozygotes.

Submission:

CeGaT Center for Human Genetics Tuebingen
Classification: Likely benign. Last evaluated: 2025-12-01. Review status: criteria provided, single submitter. Criteria: CeGaT Center For Human Genetics Tuebingen Variant Classification Criteria Version 2. Collection method: clinical testing. Allele origin: germline. Affected: yes. Observed: 2 variant alleles.
Comment: SMARCC2: BP4